The following is an entry in ClinVar:

NM_005235.3(ERBB4):c.2203-4A>G

Gene: ERBB4 (erb-b2 receptor tyrosine kinase 4; minus strand). Cytogenetic location: 2q34.
Variant type: single nucleotide variant.
Coding change: c.2203-4A>G on transcript NM_005235.3 (MANE Select); 4 bases into the intron before coding-DNA position 2203, A replaced by G.
Molecular consequence: intron variant.
Genome position (GRCh38, 1-based): chr2:211,619,279, T>C on the plus strand (A>G on the coding strand, the complement: ERBB4 is on the minus strand). VCF-style: chr2-211619279-T-C. GRCh37 (hg19) VCF-style: chr2-212484004-T-C.
Other names: c.2203-4A>G (NM_001042599.2); c.2173-4A>G (NM_001439006.1, NM_001439005.1).
Identifiers: ClinVar variation 3354477 (VCV003354477.1).

ClinVar aggregate classification (germline): Likely benign (0 of 4 stars; one submission).

Conditions:
ERBB4-related disorder. Also called: ERBB4-related condition.

gnomAD v4.1: 6 of 1,570,056 alleles (0.00038%); highest among the groups gnomAD compares: Non-Finnish European, 0.00053%; no homozygotes.

Submission:

PreventionGenetics, part of Exact Sciences
Classification: Likely benign for ERBB4-related condition. Last evaluated: 2024-05-30. Review status: no assertion criteria provided. Collection method: clinical testing. Allele origin: germline.
Comment: This variant is classified as likely benign based on ACMG/AMP sequence variant interpretation guidelines (Richards et al. 2015 PMID: 25741868, with internal and published modifications).